The following is an entry in ClinVar:

NM_020754.4(ARHGAP31):c.101-9T>C

Gene: ARHGAP31 (Rho GTPase activating protein 31; plus strand). Cytogenetic location: 3q13.33.
Variant type: single nucleotide variant.
Coding change: c.101-9T>C on transcript NM_020754.4 (MANE Select); 9 bases into the intron before coding-DNA position 101, T replaced by C.
Molecular consequence: intron variant.
Genome position (GRCh38, 1-based): chr3:119,365,307, T>C. VCF-style: chr3-119365307-T-C. GRCh37 (hg19) VCF-style: chr3-119084154-T-C.
Identifiers: ClinVar variation 3048820 (VCV003048820.2), dbSNP rs2472814560, ClinGen allele CA2577861134.
Genomic context (GRCh38, chr3:119,365,307, plus strand): 5'-AGGATATCTTTAAAAGACAGGCAGACTTACATCTAATACTTAATTGTTTTTTTCTTTTCT[T>C]TTACATAGTTCCATACGTTTTGAAGAGCTGTGCAGAATTTATAGAGACTCACGGCATCGT-3'

ClinVar aggregate classification (germline): Likely benign (0 of 4 stars; one submission).

Conditions:
ARHGAP31-related disorder. Also called: ARHGAP31-related condition.

Allele frequency attached by ClinVar (database versions not stated): gnomAD exomes below 0.00001.
gnomAD v4.1: 2 of 1,611,548 alleles (0.00012%); highest among the groups gnomAD compares: Non-Finnish European, 0.00017%; no homozygotes.

Submission:

PreventionGenetics, part of Exact Sciences
Classification: Likely benign for ARHGAP31-related condition. Last evaluated: 2023-05-22. Review status: no assertion criteria provided. Collection method: clinical testing. Allele origin: germline.
Comment: This variant is classified as likely benign based on ACMG/AMP sequence variant interpretation guidelines (Richards et al. 2015 PMID: 25741868, with internal and published modifications).